The following is an entry in ClinVar:

NM_000263.4(NAGLU):c.351G>T (p.Val117=)

Gene: NAGLU (N-acetyl-alpha-glucosaminidase; plus strand). Cytogenetic location: 17q21.2.
Variant type: single nucleotide variant.
Coding change: c.351G>T on transcript NM_000263.4 (MANE Select); coding-DNA position 351, G replaced by T.
Protein change: p.Val117=; no amino-acid change (valine 117 retained).
Molecular consequence: synonymous variant.
Genome position (GRCh38, 1-based): chr17:42,536,623, G>T. VCF-style: chr17-42536623-G-T. GRCh37 (hg19) VCF-style: chr17-40688641-G-T.
Other names: p.Val117=.
Identifiers: ClinVar variation 753519 (VCV000753519.12), dbSNP rs1436378685, ClinGen allele CA399596241.

ClinVar aggregate classification (germline): Likely benign. Review status: criteria provided, multiple submitters, no conflicts (2 of 4 stars). 3 submissions from 3 submitters: Likely benign (3). Last evaluated 2025-12-23.

Conditions:
Charcot-Marie-Tooth disease axonal type 2V. Also called: CHARCOT-MARIE-TOOTH NEUROPATHY, TYPE 2V; CHARCOT-MARIE-TOOTH DISEASE, AXONAL, AUTOSOMAL DOMINANT, TYPE 2V. Identifiers: Orphanet 447964, MedGen C5569050, MONDO:0014665, OMIM 616491.
Mucopolysaccharidosis, MPS-III-B (MPS3B). Also called: MUCOPOLYSACCHARIDOSIS, TYPE IIIB; N-ACETYL-ALPHA-D-GLUCOSAMINIDASE DEFICIENCY; NAGLU DEFICIENCY; SANFILIPPO SYNDROME B; MPS III B; MPS IIIB (Sanfilippo Syndrome Type B). Identifiers: Orphanet 79270, MedGen C0086648, MONDO:0009656, OMIM 252920.
NAGLU-related disorder. Also called: NAGLU-related condition.

Allele frequency attached by ClinVar (database versions not stated): gnomAD 0.00001; gnomAD exomes 0.00001; TOPMed 0.00001.
gnomAD v4.1: 15 of 1,498,220 alleles (0.001%); highest among the groups gnomAD compares: Non-Finnish European, 0.0013%; no homozygotes.

Submissions (3):

PreventionGenetics, part of Exact Sciences
Classification: Likely benign for NAGLU-related condition. Last evaluated: 2025-12-23. Review status: criteria provided, single submitter. Criteria: ACMG Guidelines, 2015. Collection method: clinical testing. Allele origin: germline.
Comment: This variant is classified as likely benign based on ACMG/AMP sequence variant interpretation guidelines (Richards et al. 2015 PMID: 25741868, with internal and published modifications).

Mayo Clinic Laboratories, Mayo Clinic
Classification: Likely benign. Last evaluated: 2025-09-04. Review status: criteria provided, single submitter. Criteria: ACMG Guidelines, 2015. Collection method: clinical testing. Allele origin: germline. Observed: 1 variant allele.
Comment: BP4, BP7

Labcorp Genetics (formerly Invitae), Labcorp
Classification: Likely benign for Charcot-Marie-Tooth disease axonal type 2V; Mucopolysaccharidosis, MPS-III-B. Last evaluated: 2024-02-27. Review status: criteria provided, single submitter. Criteria: Invitae Variant Classification Sherloc (09022015). Collection method: clinical testing. Allele origin: germline.